The following is an entry in ClinVar:

NM_022765.4(MICAL1):c.2971C>G (p.Leu991Val)

Gene: MICAL1 (microtubule associated monooxygenase, calponin and LIM domain containing 1; minus strand). Cytogenetic location: 6q21.
Variant type: single nucleotide variant.
Coding change: c.2971C>G on transcript NM_022765.4 (MANE Select); coding-DNA position 2971, C replaced by G.
Protein change: p.Leu991Val; replaces leucine 991 with valine.
Molecular consequence: missense variant.
Genome position (GRCh38, 1-based): chr6:109,444,906, G>C on the plus strand (C>G on the coding strand, the complement: MICAL1 is on the minus strand). VCF-style: chr6-109444906-G-C. GRCh37 (hg19) VCF-style: chr6-109766109-G-C.
Other names: c.2713C>G, p.Leu905Val (NM_001159291.2); c.3028C>G, p.Leu1010Val (NM_001286613.2); short protein forms L1010V, L905V, L991V.
Identifiers: ClinVar variation 2698268 (VCV002698268.3), dbSNP rs2482766022, ClinGen allele CA365221147.
Genomic context (GRCh38, chr6:109,444,906, plus strand): 5'-GGGGCTGGAGCCTGGCCCATGGGCCACTGTCACCATCCCCTTCCCCTTACGTGATCATGA[G>C]CTCGGCCTCCTCAGCCACCAGGCTGTTTTTCTTGTCAACGAGCTGTAGCAGCTGTCCTAC-3'
Protein context (NP_073602.3, residues 981-1001): KNSLVAEEAE[Leu991Val]MITVQELNLE

ClinVar aggregate classification (germline): Uncertain significance (1 of 4 stars; one submission).

Allele frequency attached by ClinVar (database versions not stated): gnomAD exomes below 0.00001.
gnomAD v4.1: 1 of 1,614,180 alleles (0.000062%); highest among the groups gnomAD compares: Non-Finnish European, 0.000085%; no homozygotes.

Submission:

Labcorp Genetics (formerly Invitae), Labcorp
Classification: Uncertain significance. Last evaluated: 2023-11-24. Review status: criteria provided, single submitter. Criteria: Invitae Variant Classification Sherloc (09022015). Collection method: clinical testing. Allele origin: germline.
Comment: This sequence change replaces leucine, which is neutral and non-polar, with valine, which is neutral and non-polar, at codon 1010 of the MICAL1 protein (p.Leu1010Val). This variant is not present in population databases (gnomAD no frequency). This variant has not been reported in the literature in individuals affected with MICAL1-related conditions. An algorithm developed to predict the effect of missense changes on protein structure and function (PolyPhen-2) suggests that this variant is likely to be disruptive. In summary, the available evidence is currently insufficient to determine the role of this variant in disease. Therefore, it has been classified as a Variant of Uncertain Significance.